The following is an entry in ClinVar:

NM_001134831.2(AHI1):c.1583C>A (p.Ser528Ter)

Gene: AHI1 (Abelson helper integration site 1; minus strand). Cytogenetic location: 6q23.3.
Variant type: single nucleotide variant.
Coding change: c.1583C>A on transcript NM_001134831.2 (MANE Select); coding-DNA position 1583, C replaced by A.
Protein change: p.Ser528Ter; replaces serine 528 with a stop codon.
Molecular consequence: nonsense.
Genome position (GRCh38, 1-based): chr6:135,448,333, G>T on the plus strand (C>A on the coding strand, the complement: AHI1 is on the minus strand). VCF-style: chr6-135448333-G-T. GRCh37 (hg19) VCF-style: chr6-135769471-G-T.
Other names: c.1583C>A (NM_017651.4); c.1583C>A, p.Ser528Ter (NM_001134830.2, NM_001134832.2, NM_001350503.2 and 2 more transcripts); short protein forms S528*.
Identifiers: ClinVar variation 1070164 (VCV001070164.11), dbSNP rs2128058828, ClinGen allele CA365745144.
Genomic context (GRCh38, chr6:135,448,333, plus strand): 5'-ATGTACTATTAACTTACACAGTCTGGAACTTTCAGTCCTCTTACAGTTACGTACAGTGTT[G>T]ATGGGTAATGATTTCTTGGACATTTTGACCACCATTCAAATGCCTCAACAACACTTAATG-3'

ClinVar aggregate classification (germline): Pathogenic/Likely pathogenic. Review status: criteria provided, multiple submitters, no conflicts (2 of 4 stars). 3 submissions from 3 submitters: Pathogenic (2); Likely pathogenic (1). Last evaluated 2024-05-28.

Conditions:
Joubert syndrome. Also called: JOUBERT-BOLTSHAUSER SYNDROME; Familial aplasia of the vermis. Identifiers: Orphanet 475, MedGen C5979921, MONDO:0018772.
Joubert syndrome 3 (JBTS3). Also called: AHI1-related Ciliopathy. Identifiers: Orphanet 220493, MedGen C1837713, MONDO:0012078, OMIM 608629.

gnomAD v4.1: 1 of 1,611,138 alleles (0.000062%); highest among the groups gnomAD compares: Non-Finnish European, 0.000085%; no homozygotes.

Submissions (3):

Fulgent Genetics
Classification: Likely pathogenic for Joubert syndrome 3. Last evaluated: 2024-05-28. Review status: criteria provided, single submitter. Criteria: ACMG Guidelines, 2015. Collection method: clinical testing. Allele origin: germline.

Myriad Genetics, Inc.
Classification: Pathogenic for Joubert syndrome 3. Last evaluated: 2024-05-03. Review status: criteria provided, single submitter. Criteria: Myriad Autosomal Dominant, Autosomal Recessive and X-Linked Classification Criteria (2023). Collection method: clinical testing. Allele origin: unknown.
Comment: NM_001134831.1(AHI1):c.1583C>A(S528*) is expected to be pathogenic in the context of Joubert syndrome, AHI1-related. This variant is predicted to lead to an abnormal or absent protein product due to the creation of a premature termination codon in AHI1, a gene where loss-of-function variants are known to be pathogenic. Please note: this variant was assessed in the context of healthy population screening.

Labcorp Genetics (formerly Invitae), Labcorp
Classification: Pathogenic for Joubert syndrome. Last evaluated: 2024-03-07. Review status: criteria provided, single submitter. Criteria: Invitae Variant Classification Sherloc (09022015). Collection method: clinical testing. Allele origin: germline.
Comment: This sequence change creates a premature translational stop signal (p.Ser528*) in the AHI1 gene. It is expected to result in an absent or disrupted protein product. Loss-of-function variants in AHI1 are known to be pathogenic (PMID: 15322546, 16453322, 28442542, 29186038). This variant is not present in population databases (gnomAD no frequency). This premature translational stop signal has been observed in individual(s) with Joubert syndrome (PMID: 28497568). ClinVar contains an entry for this variant (Variation ID: 1070164). Algorithms developed to predict the effect of sequence changes on RNA splicing suggest that this variant may disrupt the consensus splice site. For these reasons, this variant has been classified as Pathogenic.

Literature cited by the submitters: PubMed 15322546 (cited by Labcorp Genetics (formerly Invitae), Labcorp); PubMed 16453322 (cited by Labcorp Genetics (formerly Invitae), Labcorp); PubMed 28442542 (cited by Labcorp Genetics (formerly Invitae), Labcorp); PubMed 29186038 (cited by Labcorp Genetics (formerly Invitae), Labcorp); PubMed 28497568 (cited by Labcorp Genetics (formerly Invitae), Labcorp).